The following is an entry in ClinVar:

NM_016507.4(CDK12):c.4306A>G (p.Lys1436Glu)

Gene: CDK12 (cyclin dependent kinase 12; plus strand). Cytogenetic location: 17q12.
Variant type: single nucleotide variant.
Coding change: c.4306A>G on transcript NM_016507.4 (MANE Select); coding-DNA position 4306, A replaced by G.
Protein change: p.Lys1436Glu; replaces lysine 1436 with glutamic acid.
Molecular consequence: missense variant.
Genome position (GRCh38, 1-based): chr17:39,531,149, A>G. VCF-style: chr17-39531149-A-G. GRCh37 (hg19) VCF-style: chr17-37687402-A-G.
Other names: c.4279A>G, p.Lys1427Glu (NM_015083.4); short protein forms K1436E, K1427E.
Identifiers: ClinVar variation 3489206 (VCV003489206.1).

ClinVar aggregate classification (germline): Uncertain significance (1 of 4 stars; one submission).

Submission:

Ambry Genetics
Classification: Uncertain significance. Last evaluated: 2024-11-20. Review status: criteria provided, single submitter. Criteria: Ambry Variant Classification Scheme 2023. Collection method: clinical testing. Allele origin: germline.
Comment: The p.K1436E variant (also known as c.4306A>G), located in coding exon 14 of the CDK12 gene, results from an A to G substitution at nucleotide position 4306. The lysine at codon 1436 is replaced by glutamic acid, an amino acid with similar properties. This amino acid position is conserved. In addition, the in silico prediction for this alteration is inconclusive. Based on the available evidence, the clinical significance of this variant remains unclear.